The following is an entry in ClinVar:

ClinVar aggregate classification (germline): Uncertain significance (1 of 4 stars; one submission).

Allele frequency attached by ClinVar (database versions not stated): gnomAD exomes below 0.00001.
gnomAD v4.1: 1 of 1,612,584 alleles (0.000062%); highest among the groups gnomAD compares: Non-Finnish European, 0.000085%; no homozygotes.

Submission:

Labcorp Genetics (formerly Invitae), Labcorp
Classification: Uncertain significance. Last evaluated: 2022-10-18. Review status: criteria provided, single submitter. Criteria: Invitae Variant Classification Sherloc (09022015). Collection method: clinical testing. Allele origin: germline.
Comment: In summary, the available evidence is currently insufficient to determine the role of this variant in disease. Therefore, it has been classified as a Variant of Uncertain Significance. ClinVar contains an entry for this variant (Variation ID: 1474692). This variant has not been reported in the literature in individuals affected with PPCS-related conditions. This variant is not present in population databases (gnomAD no frequency). This sequence change creates a premature translational stop signal (p.Ser69*) in the PPCS gene. It is expected to result in an absent or disrupted protein product. However, the current clinical and genetic evidence is not sufficient to establish whether loss-of-function variants in PPCS cause disease.

NM_024664.4(PPCS):c.206C>A (p.Ser69Ter)

Genes: CCDC30 (coiled-coil domain containing 30; plus strand), PPCS (phosphopantothenoylcysteine synthetase; plus strand). Cytogenetic location: 1p34.2.
Variant type: single nucleotide variant.
Coding change: c.206C>A on transcript NM_024664.4 (MANE Select); coding-DNA position 206, C replaced by A.
Protein change: p.Ser69Ter; replaces serine 69 with a stop codon.
Molecular consequence: nonsense. On other transcripts: 5 prime UTR variant (1), intron variant (6).
Genome position (GRCh38, 1-based): chr1:42,456,771, C>A. VCF-style: chr1-42456771-C-A. GRCh37 (hg19) VCF-style: chr1-42922442-C-A.
Other names: c.-487C>A (NM_001287510.2); c.206C>A, p.Ser69Ter (NM_001287511.2); c.-984+272C>A (NM_001355226.2); c.-328+272C>A (NM_001287507.1); c.-12+272C>A (NM_001287506.1); c.-12+47C>A (NM_001287508.2); c.-12+143C>A (NM_001077447.3); c.-12+188C>A (NM_001287509.2); short protein forms S69*.
Identifiers: ClinVar variation 1474692 (VCV001474692.6), dbSNP rs1407899752, ClinGen allele CA339944170.